The following is an entry in ClinVar:

ClinVar aggregate classification (germline): Uncertain significance (1 of 4 stars; one submission).

gnomAD v4.1: 21 of 1,613,986 alleles (0.0013%); highest among the groups gnomAD compares: East Asian, 0.0067%; no homozygotes.

Submission:

Ambry Genetics
Classification: Uncertain significance. Last evaluated: 2026-05-19. Review status: criteria provided, single submitter. Criteria: Ambry Variant Classification Scheme 2023. Collection method: clinical testing. Allele origin: germline.
Comment: The c.1148C>T (p.A383V) alteration is located in exon 3 (coding exon 3) of the NLRP8 gene. This alteration results from a C to T substitution at nucleotide position 1148, causing the alanine (A) at amino acid position 383 to be replaced by a valine (V). Based on data from gnomAD, the T allele has an overall frequency of 0.001% (2/251322) total alleles studied. The highest observed frequency was 0.005% (1/18390) of East Asian alleles. Based on insufficient or conflicting evidence, the clinical significance of this alteration remains unclear.

NM_001433706.1(NLRP8):c.1148C>T (p.Ala383Val)

Gene: NLRP8 (NLR family pyrin domain containing 8; plus strand). Cytogenetic location: 19q13.43.
Variant type: single nucleotide variant.
Coding change: c.1148C>T on transcript NM_001433706.1 (MANE Select); coding-DNA position 1148, C replaced by T.
Protein change: p.Ala383Val; replaces alanine 383 with valine.
Molecular consequence: missense variant.
Genome position (GRCh38, 1-based): chr19:55,955,206, C>T. VCF-style: chr19-55955206-C-T. GRCh37 (hg19) VCF-style: chr19-56466572-C-T.
Other names: NM_176811.2:c.1148C>T; c.1148C>T, p.Ala383Val (NM_001317000.1); short protein forms A383V.
Identifiers: ClinVar variation 4861086 (VCV004861086.1).